The following is an entry in ClinVar:

ClinVar aggregate classification (germline): Benign/Likely benign. Review status: criteria provided, multiple submitters, no conflicts (2 of 4 stars). 3 submissions from 3 submitters: Benign (1); Likely benign (2). Last evaluated 2025-04-09.

Conditions:
Hereditary cancer-predisposing syndrome. Also called: Neoplastic Syndromes, Hereditary; Hereditary neoplastic syndrome; Tumor predisposition; Hereditary Cancer Syndrome. Identifiers: Orphanet 140162, MedGen C0027672, MeSH D009386, MONDO:0015356.
Tuberous sclerosis 1 (TSC1). Identifiers: Orphanet 805, MedGen C1854465, MONDO:0008612, OMIM 191100.

Submissions (3):

Myriad Genetics, Inc.
Classification: Benign for Tuberous sclerosis 1. Last evaluated: 2025-04-09. Review status: criteria provided, single submitter. Criteria: Myriad Autosomal Dominant, Autosomal Recessive and X-Linked Classification Criteria (2023). Collection method: clinical testing. Allele origin: unknown.
Comment: This variant is considered benign. This variant is a silent/synonymous amino acid change and it is not expected to impact splicing.

Ambry Genetics
Classification: Likely benign for Hereditary cancer-predisposing syndrome. Last evaluated: 2024-05-30. Review status: criteria provided, single submitter. Criteria: Ambry Variant Classification Scheme 2023. Collection method: clinical testing. Allele origin: germline.

Labcorp Genetics (formerly Invitae), Labcorp
Classification: Likely benign for Tuberous sclerosis 1. Last evaluated: 2017-11-30. Review status: criteria provided, single submitter. Criteria: Invitae Variant Classification Sherloc (09022015). Collection method: clinical testing. Allele origin: germline.

NM_000368.5(TSC1):c.951G>A (p.Leu317=)

Gene: TSC1 (TSC complex subunit 1; minus strand). Cytogenetic location: 9q34.13.
Variant type: single nucleotide variant.
Coding change: c.951G>A on transcript NM_000368.5 (MANE Select); coding-DNA position 951, G replaced by A.
Protein change: p.Leu317=; no amino-acid change (leucine 317 retained).
Molecular consequence: synonymous variant.
Genome position (GRCh38, 1-based): chr9:132,911,531, C>T on the plus strand (G>A on the coding strand, the complement: TSC1 is on the minus strand). VCF-style: chr9-132911531-C-T. GRCh37 (hg19) VCF-style: chr9-135786918-C-T.
Other names: c.951G>A, p.Leu317= (NM_001162426.2); c.798G>A, p.Leu266= (NM_001162427.2); c.588G>A, p.Leu196= (NM_001362177.2).
Identifiers: ClinVar variation 534512 (VCV000534512.10), dbSNP rs1554817419, ClinGen allele CA467593481.
Genomic context (GRCh38, chr9:132,911,531, plus strand): 5'-CAGCCGTGTCGATGGGGAACTCAGAGTCTGAGGTAGCTGCCCTGGCATATTTAACAACAT[C>T]AGCCGAGACGTGGAGTAAGGGGTAGAAGTAGCACACCCTAAAATGGAAGAGAAGAACACA-3'
Protein context (NP_000359.1, residues 307-327): ATSTPYSTSR[Leu317=]MLLNMPGQLP